The following is an entry in ClinVar:

NM_032043.3(BRIP1):c.2474dup (p.Leu825fs)

Gene: BRIP1 (BRCA1 interacting DNA helicase 1; minus strand). Cytogenetic location: 17q23.2.
Variant type: Duplication.
Coding change: c.2474dup on transcript NM_032043.3 (MANE Select); coding-DNA position 2474, one base duplicated (T; older notation c.2474dupT).
Protein change: p.Leu825fs; shifts the reading frame from leucine 825.
Molecular consequence: frameshift variant.
Genome position (GRCh38, 1-based): chr17:61,715,969, A duplicated on the plus strand (T on the coding strand, the reverse complement: BRIP1 is on the minus strand); the first of 2 consecutive A bases (chr17:61,715,969-61,715,970); duplicating either gives the same sequence. VCF-style (leftmost placement, unchanged base first): chr17-61715968-T-TA. GRCh37 (hg19) VCF-style: chr17-59793329-T-TA.
Other names: c.2474dupT (NM_032043.2); short protein forms L825fs.
Identifiers: ClinVar variation 3228109 (VCV003228109.1), dbSNP rs2544696268, ClinGen allele CA2825002573.
Genomic context (GRCh38, chr17:61,715,968, plus strand): 5'-GCCCTGTCACAGATAATATTATATTAAATTTCACTCCACTTACCTACCAAGGGCCTGGTT[T>TA]AAGGCCCTGTATGCTTGAATTTCATACCACTGACGGCCAGGTAGAAGACCTCTCAATTTT-3'

ClinVar aggregate classification (germline): Pathogenic (1 of 4 stars; one submission).

Conditions:
Hereditary cancer-predisposing syndrome. Also called: Neoplastic Syndromes, Hereditary; Tumor predisposition; Hereditary neoplastic syndrome; Hereditary Cancer Syndrome. Identifiers: Orphanet 140162, MedGen C0027672, MeSH D009386, MONDO:0015356.

Submission:

Ambry Genetics
Classification: Pathogenic for Hereditary cancer-predisposing syndrome. Last evaluated: 2023-11-18. Review status: criteria provided, single submitter. Criteria: Ambry Variant Classification Scheme 2023. Collection method: clinical testing. Allele origin: germline.
Comment: The c.2474dupT pathogenic mutation, located in coding exon 16 of the BRIP1 gene, results from a duplication of T at nucleotide position 2474, causing a translational frameshift with a predicted alternate stop codon (p.L825Ffs*7). This variant is considered to be rare based on population cohorts in the Genome Aggregation Database (gnomAD). This alteration is expected to result in loss of function by premature protein truncation or nonsense-mediated mRNA decay. As such, this alteration is interpreted as a disease-causing mutation.